The following is an entry in ClinVar:

NM_000094.4(COL7A1):c.3146C>T (p.Pro1049Leu)

Gene: COL7A1 (collagen type VII alpha 1 chain; minus strand). Cytogenetic location: 3p21.31.
Variant type: single nucleotide variant.
Coding change: c.3146C>T on transcript NM_000094.4 (MANE Select); coding-DNA position 3146, C replaced by T.
Protein change: p.Pro1049Leu; replaces proline 1049 with leucine.
Molecular consequence: missense variant.
Genome position (GRCh38, 1-based): chr3:48,587,102, G>A on the plus strand (C>T on the coding strand, the complement: COL7A1 is on the minus strand). VCF-style: chr3-48587102-G-A. GRCh37 (hg19) VCF-style: chr3-48624535-G-A.
Other names: short protein forms P1049L.
Identifiers: ClinVar variation 3635681 (VCV003635681.2).
Genomic context (GRCh38, chr3:48,587,102, plus strand): 5'-GCACGGTGAGCATTGTCTTGAGTGGCATGTGGTAGGAACACCACATCCGCCAGGCCACGG[G>A]GGCACACTGTAGGAAGGGGAACAAGTTACTGAAGCGGGCAGCCCACCCAGACACACCTTT-3'
Protein context (NP_000085.1, residues 1039-1059): EASVTQTPVC[Pro1049Leu]RGLADVVFLP

ClinVar aggregate classification (germline): Uncertain significance (1 of 4 stars; one submission).

gnomAD v4.1: 1 of 1,612,978 alleles (0.000062%); highest among the groups gnomAD compares: Non-Finnish European, 0.000085%; no homozygotes.

Submission:

Labcorp Genetics (formerly Invitae), Labcorp
Classification: Uncertain significance. Last evaluated: 2024-04-06. Review status: criteria provided, single submitter. Criteria: Invitae Variant Classification Sherloc (09022015). Collection method: clinical testing. Allele origin: germline.
Comment: This sequence change replaces proline, which is neutral and non-polar, with leucine, which is neutral and non-polar, at codon 1049 of the COL7A1 protein (p.Pro1049Leu). This variant is not present in population databases (gnomAD no frequency). This variant has not been reported in the literature in individuals affected with COL7A1-related conditions. Advanced modeling of protein sequence and biophysical properties (such as structural, functional, and spatial information, amino acid conservation, physicochemical variation, residue mobility, and thermodynamic stability) performed at Invitae indicates that this missense variant is not expected to disrupt COL7A1 protein function with a negative predictive value of 95%. In summary, the available evidence is currently insufficient to determine the role of this variant in disease. Therefore, it has been classified as a Variant of Uncertain Significance.